The following is an entry in ClinVar:

NM_020461.4(TUBGCP6):c.4145C>T (p.Pro1382Leu)

Gene: TUBGCP6 (tubulin gamma complex component 6; minus strand). Cytogenetic location: 22q13.33.
Variant type: single nucleotide variant.
Coding change: c.4145C>T on transcript NM_020461.4 (MANE Select); coding-DNA position 4145, C replaced by T.
Protein change: p.Pro1382Leu; replaces proline 1382 with leucine.
Molecular consequence: missense variant.
Genome position (GRCh38, 1-based): chr22:50,219,979, G>A on the plus strand (C>T on the coding strand, the complement: TUBGCP6 is on the minus strand). VCF-style: chr22-50219979-G-A. GRCh37 (hg19) VCF-style: chr22-50658408-G-A.
Other names: c.4145C>T (NM_020461.3); short protein forms P1382L.
Identifiers: ClinVar variation 1044168 (VCV001044168.9), dbSNP rs933853692, ClinGen allele CA325511233.

ClinVar aggregate classification (germline): Uncertain significance. Review status: criteria provided, multiple submitters, no conflicts (2 of 4 stars). 2 submissions from 2 submitters: Uncertain significance (2). Last evaluated 2025-08-08.

Conditions:
Inborn genetic diseases. Identifiers: MedGen C0950123, MeSH D030342.

Allele frequency attached by ClinVar (database versions not stated): gnomAD 0.00001; TOPMed 0.00002; gnomAD exomes 0.00003.
gnomAD v4.1: 39 of 1,613,920 alleles (0.0024%); highest among the groups gnomAD compares: Non-Finnish European, 0.0031%; no homozygotes.

Submissions (2):

Ambry Genetics
Classification: Uncertain significance for Inborn genetic diseases. Last evaluated: 2025-08-08. Review status: criteria provided, single submitter. Criteria: Ambry Variant Classification Scheme 2023. Collection method: clinical testing. Allele origin: germline.

Labcorp Genetics (formerly Invitae), Labcorp
Classification: Uncertain significance. Last evaluated: 2024-12-16. Review status: criteria provided, single submitter. Criteria: Invitae Variant Classification Sherloc (09022015). Collection method: clinical testing. Allele origin: germline.
Comment: This sequence change replaces proline, which is neutral and non-polar, with leucine, which is neutral and non-polar, at codon 1382 of the TUBGCP6 protein (p.Pro1382Leu). This variant is not present in population databases (gnomAD no frequency). This variant has not been reported in the literature in individuals affected with TUBGCP6-related conditions. ClinVar contains an entry for this variant (Variation ID: 1044168). An algorithm developed to predict the effect of missense changes on protein structure and function outputs the following: PolyPhen-2: "Benign". The leucine amino acid residue is found in multiple mammalian species, which suggests that this missense change does not adversely affect protein function. Algorithms developed to predict the effect of sequence changes on RNA splicing suggest that this variant may disrupt the consensus splice site. In summary, the available evidence is currently insufficient to determine the role of this variant in disease. Therefore, it has been classified as a Variant of Uncertain Significance.